The following is an entry in ClinVar:

ClinVar aggregate classification (germline): Pathogenic. Review status: criteria provided, multiple submitters, no conflicts (2 of 4 stars). 3 submissions from 3 submitters: Pathogenic (3). Last evaluated 2024-03-21.

Conditions:
Hearing loss, autosomal dominant 82. Also called: Deafness, autosomal dominant 82. Identifiers: MedGen C5676948, MONDO:0030719, OMIM 619804.

Submissions (3):

GeneDx
Classification: Pathogenic. Last evaluated: 2024-03-21. Review status: criteria provided, single submitter. Criteria: GeneDx Variant Classification Process June 2021. Collection method: clinical testing. Allele origin: germline.
Comment: Not observed at significant frequency in large population cohorts (gnomAD); In silico analysis, which includes protein predictors and evolutionary conservation, supports a deleterious effect; This variant is associated with the following publications: (PMID: 32152250, 35982159, 33057194)

Labcorp Genetics (formerly Invitae), Labcorp
Classification: Pathogenic. Last evaluated: 2023-01-20. Review status: criteria provided, single submitter. Criteria: Invitae Variant Classification Sherloc (09022015). Collection method: clinical testing. Allele origin: germline.
Comment: For these reasons, this variant has been classified as Pathogenic. Advanced modeling of protein sequence and biophysical properties (such as structural, functional, and spatial information, amino acid conservation, physicochemical variation, residue mobility, and thermodynamic stability) performed at Invitae indicates that this missense variant is expected to disrupt ATP2B2 protein function. ClinVar contains an entry for this variant (Variation ID: 1699521). This missense change has been observed in individual(s) with autosomal dominant non-syndromic deafness and/or clinical features of ATP2B2-related disease in the context of autosomal dominant TNRC6B-related neurodevelopmental disorder (PMID: 32152250; Invitae). In at least one individual the variant was observed to be de novo. This variant is not present in population databases (gnomAD no frequency). This sequence change replaces glycine, which is neutral and non-polar, with arginine, which is basic and polar, at codon 776 of the ATP2B2 protein (p.Gly776Arg).

Juno Genomics, Hangzhou Juno Genomics, Inc
Classification: Pathogenic for Hearing loss, autosomal dominant 82. Review status: criteria provided, single submitter. Criteria: ACMG Guidelines, 2015. Collection method: clinical testing. Allele origin: germline. Affected: yes.
Comment: Absent from controls (or at extremely low frequency if recessive) in Genome Aggregation Database.;De novo (both maternity and paternity confirmed) in a patient with the disease and no family history.;The prevalence of the variant in affected individuals is significantly increased compared to the prevalence in controls.;Patient's phenotype or family history is highly specific for a disease with a single genetic etiology.;Multiple lines of computational evidence support a deleterious effect on the gene or gene product.;Missense variant in a gene that has a low rate of benign missense variation.

Literature cited by the submitters: PubMed 32152250 (cited by Labcorp Genetics (formerly Invitae), Labcorp).

NM_001001331.4(ATP2B2):c.2461G>A (p.Gly821Arg)

Gene: ATP2B2 (ATPase plasma membrane Ca2+ transporting 2; minus strand). Cytogenetic location: 3p25.3.
Variant type: single nucleotide variant.
Coding change: c.2461G>A on transcript NM_001001331.4 (MANE Select); coding-DNA position 2461, G replaced by A.
Protein change: p.Gly821Arg; replaces glycine 821 with arginine.
Molecular consequence: missense variant.
Genome position (GRCh38, 1-based): chr3:10,346,081, C>T on the plus strand (G>A on the coding strand, the complement: ATP2B2 is on the minus strand). VCF-style: chr3-10346081-C-T. GRCh37 (hg19) VCF-style: chr3-10387765-C-T.
Other names: c.2326G>A, p.Gly776Arg (NM_001353564.1, NM_001363862.1, NM_001683.5 and 1 more transcripts); short protein forms G776R, G821R.
Identifiers: ClinVar variation 1699521 (VCV001699521.7), dbSNP rs2125394967, ClinGen allele CA351778765.